The following is an entry in ClinVar:

NM_005045.4(RELN):c.2995C>T (p.Pro999Ser)

Gene: RELN (reelin; minus strand). Cytogenetic location: 7q22.1.
Variant type: single nucleotide variant.
Coding change: c.2995C>T on transcript NM_005045.4 (MANE Select); coding-DNA position 2995, C replaced by T.
Protein change: p.Pro999Ser; replaces proline 999 with serine.
Molecular consequence: missense variant.
Genome position (GRCh38, 1-based): chr7:103,610,708, G>A on the plus strand (C>T on the coding strand, the complement: RELN is on the minus strand). VCF-style: chr7-103610708-G-A. GRCh37 (hg19) VCF-style: chr7-103251155-G-A.
Other names: c.2995C>T, p.Pro999Ser (NM_173054.3); short protein forms P999S.
Identifiers: ClinVar variation 3750049 (VCV003750049.2).
Genomic context (GRCh38, chr7:103,610,708, plus strand): 5'-GATAGTCAAAGTTAAAGTGACAGCCATATCTAAAGATGTCATCTCACCAAGTTTTCTGGG[G>A]AAGAAGCACTATGACTCTCCTCCACTGTGTAAACTCACTGGCATGGTAAATACTTGCTGA-3'
Protein context (NP_005036.2, residues 989-1009): TQWRRVIVLL[Pro999Ser]QKTWSSATRF

ClinVar aggregate classification (germline): Uncertain significance (1 of 4 stars; one submission).

Conditions:
Familial temporal lobe epilepsy 7. Identifiers: Orphanet 101046, MedGen C4225327, MONDO:0014639, OMIM 616436.
Norman-Roberts syndrome (LIS2). Also called: Lissencephaly 2 (Norman-Roberts type). Identifiers: Orphanet 89844, MedGen C0796089, MONDO:0009760, OMIM 257320.

Submission:

Labcorp Genetics (formerly Invitae), Labcorp
Classification: Uncertain significance for Familial temporal lobe epilepsy 7; Norman-Roberts syndrome. Last evaluated: 2025-03-15. Review status: criteria provided, single submitter. Criteria: Invitae Variant Classification Sherloc (09022015). Collection method: clinical testing. Allele origin: germline.
Comment: This sequence change replaces proline, which is neutral and non-polar, with serine, which is neutral and polar, at codon 999 of the RELN protein (p.Pro999Ser). This variant is not present in population databases (gnomAD no frequency). This variant has not been reported in the literature in individuals affected with RELN-related conditions. Invitae Evidence Modeling of protein sequence and biophysical properties (such as structural, functional, and spatial information, amino acid conservation, physicochemical variation, residue mobility, and thermodynamic stability) indicates that this missense variant is not expected to disrupt RELN protein function with a negative predictive value of 80%. In summary, the available evidence is currently insufficient to determine the role of this variant in disease. Therefore, it has been classified as a Variant of Uncertain Significance.